The following is an entry in ClinVar:

NM_000143.4(FH):c.718G>A (p.Val240Ile)

Gene: FH (fumarate hydratase; minus strand). Cytogenetic location: 1q43.
Variant type: single nucleotide variant.
Coding change: c.718G>A on transcript NM_000143.4 (MANE Select); coding-DNA position 718, G replaced by A.
Protein change: p.Val240Ile; replaces valine 240 with isoleucine.
Molecular consequence: missense variant.
Genome position (GRCh38, 1-based): chr1:241,508,623, C>T on the plus strand (G>A on the coding strand, the complement: FH is on the minus strand). VCF-style: chr1-241508623-C-T. GRCh37 (hg19) VCF-style: chr1-241671923-C-T.
Other names: short protein forms V240I.
Identifiers: ClinVar variation 4024816 (VCV004024816.1).

ClinVar aggregate classification (germline): Uncertain significance (1 of 4 stars; one submission).

Conditions:
Hereditary cancer-predisposing syndrome. Also called: Tumor predisposition; Hereditary neoplastic syndrome; Neoplastic Syndromes, Hereditary; Hereditary Cancer Syndrome. Identifiers: Orphanet 140162, MedGen C0027672, MeSH D009386, MONDO:0015356.

Submission:

Ambry Genetics
Classification: Uncertain significance for Hereditary cancer-predisposing syndrome. Last evaluated: 2025-05-09. Review status: criteria provided, single submitter. Criteria: Ambry Variant Classification Scheme 2023. Collection method: clinical testing. Allele origin: germline.
Comment: The p.V240I variant (also known as c.718G>A), located in coding exon 5 of the FH gene, results from a G to A substitution at nucleotide position 718. The valine at codon 240 is replaced by isoleucine, an amino acid with highly similar properties. This amino acid position is conserved. In addition, this alteration is predicted to be deleterious by in silico analysis. Based on the available evidence, the clinical significance of this variant remains unclear.